The following is an entry in ClinVar:

ClinVar aggregate classification (germline): Uncertain significance (1 of 4 stars; one submission).

Submission:

GeneDx
Classification: Uncertain significance. Last evaluated: 2025-04-07. Review status: criteria provided, single submitter. Criteria: GeneDx Variant Classification Process June 2021. Collection method: clinical testing. Allele origin: germline. Affected: yes.
Comment: Not observed at significant frequency in large population cohorts (gnomAD); Has not been previously published as pathogenic or benign to our knowledge; In silico analysis is inconclusive as to whether the variant alters gene splicing. In the absence of RNA/functional studies, the actual effect of this sequence change is unknown.

NM_000138.5(FBN1):c.3207A>T (p.Thr1069=)

Gene: FBN1 (fibrillin 1; minus strand). Cytogenetic location: 15q21.1.
Variant type: single nucleotide variant.
Coding change: c.3207A>T on transcript NM_000138.5 (MANE Select); coding-DNA position 3207, A replaced by T.
Protein change: p.Thr1069=; no amino-acid change (threonine 1069 retained).
Molecular consequence: synonymous variant.
Genome position (GRCh38, 1-based): chr15:48,488,369, T>A on the plus strand (A>T on the coding strand, the complement: FBN1 is on the minus strand). VCF-style: chr15-48488369-T-A. GRCh37 (hg19) VCF-style: chr15-48780566-T-A.
Other names: c.3207A>T, p.Thr1069= (NM_001406716.1).
Identifiers: ClinVar variation 4281703 (VCV004281703.1).